The following is an entry in ClinVar:

ClinVar aggregate classification (germline): Uncertain significance (1 of 4 stars; one submission).

Conditions:
Adams-Oliver syndrome 5 (AOS5). Identifiers: Orphanet 974, MedGen C4014970, MONDO:0014459, OMIM 616028.

Submission:

Labcorp Genetics (formerly Invitae), Labcorp
Classification: Uncertain significance for Adams-Oliver syndrome 5. Last evaluated: 2025-08-01. Review status: criteria provided, single submitter. Criteria: Invitae Variant Classification Sherloc (09022015). Collection method: clinical testing. Allele origin: germline.
Comment: This sequence change replaces proline, which is neutral and non-polar, with alanine, which is neutral and non-polar, at codon 1668 of the NOTCH1 protein (p.Pro1668Ala). This variant is not present in population databases (gnomAD no frequency). This variant has not been reported in the literature in individuals affected with NOTCH1-related conditions. Invitae Evidence Modeling of protein sequence and biophysical properties (such as structural, functional, and spatial information, amino acid conservation, physicochemical variation, residue mobility, and thermodynamic stability) indicates that this missense variant is not expected to disrupt NOTCH1 protein function with a negative predictive value of 95%. In summary, the available evidence is currently insufficient to determine the role of this variant in disease. Therefore, it has been classified as a Variant of Uncertain Significance.

NM_017617.5(NOTCH1):c.5002C>G (p.Pro1668Ala)

Gene: NOTCH1 (notch receptor 1; minus strand). Cytogenetic location: 9q34.3.
Variant type: single nucleotide variant.
Coding change: c.5002C>G on transcript NM_017617.5 (MANE Select); coding-DNA position 5002, C replaced by G.
Protein change: p.Pro1668Ala; replaces proline 1668 with alanine.
Molecular consequence: missense variant.
Genome position (GRCh38, 1-based): chr9:136,504,689, G>C on the plus strand (C>G on the coding strand, the complement: NOTCH1 is on the minus strand). VCF-style: chr9-136504689-G-C. GRCh37 (hg19) VCF-style: chr9-139399141-G-C.
Other names: short protein forms P1668A.
Identifiers: ClinVar variation 4801892 (VCV004801892.1).